The following is an entry in ClinVar:

NM_020320.5(RARS2):c.1137del (p.Val380fs)

Gene: RARS2 (arginyl-tRNA synthetase 2, mitochondrial; minus strand). Cytogenetic location: 6q15.
Variant type: Deletion.
Coding change: c.1137del on transcript NM_020320.5 (MANE Select); coding-DNA position 1137, one base deleted (A; older notation c.1137delA).
Protein change: p.Val380fs; shifts the reading frame from valine 380.
Molecular consequence: frameshift variant. On other transcripts: non-coding transcript variant (23).
Genome position (GRCh38, 1-based): chr6:87,519,683, T deleted on the plus strand (A on the coding strand, the reverse complement: RARS2 is on the minus strand). VCF-style (leftmost placement, unchanged base first): chr6-87519682-CT-C. GRCh37 (hg19) VCF-style: chr6-88229400-CT-C.
Other names: c.612del, p.Val205fs (NM_001318785.2, NM_001350506.2, NM_001350507.2 and 4 more transcripts); c.1137del, p.Val380fs (NM_001350505.2); short protein forms V205fs, V380fs.
Identifiers: ClinVar variation 4816046 (VCV004816046.1).
Genomic context (GRCh38, chr6:87,519,682, plus strand): 5'-TCTCATTTAAAACATCTTCCAGGAAAGTGACATCTCCTCTTCGAGTCTTCATTCCCTGTA[CT>C]ACTCCAAAGGGCACGTGCTGGCACCTAAAAGAGTGGGCATCTAGTTAACTGAAAGCTAAA-3'

ClinVar aggregate classification (germline): Likely pathogenic (1 of 4 stars; one submission).

Conditions:
Pontocerebellar hypoplasia type 6 (PCH6). Identifiers: Orphanet 166073, MedGen C1969084, MONDO:0012683, OMIM 611523.

Submission:

Natera, Inc.
Classification: Likely pathogenic for Pontocerebellar hypoplasia, type 6. Last evaluated: 2024-10-30. Review status: criteria provided, single submitter. Criteria: Natera Variant Classification Schema (03/2026). Collection method: clinical testing. Allele origin: germline.
Comment: The c.1137del variant in RARS2 is a frameshift variant predicted to shift the reading frame beginning at codon 380 and leads to a stop codon 4 codons downstream. This variant is expected to result in nonsense mediated decay, truncation, or a dysfunctional protein product. This variant is rare in the general population with a frequency below the threshold expected for the associated phenotype(s). Given the available evidence, this variant is classified as Likely Pathogenic.